The following is an entry in ClinVar:

NM_022835.3(PLEKHG2):c.1820G>C (p.Arg607Pro)

Gene: PLEKHG2 (pleckstrin homology and RhoGEF domain containing G2; plus strand). Cytogenetic location: 19q13.2.
Variant type: single nucleotide variant.
Coding change: c.1820G>C on transcript NM_022835.3 (MANE Select); coding-DNA position 1820, G replaced by C.
Protein change: p.Arg607Pro; replaces arginine 607 with proline.
Molecular consequence: missense variant. On other transcripts: intron variant (1).
Genome position (GRCh38, 1-based): chr19:39,422,874, G>C. VCF-style: chr19-39422874-G-C. GRCh37 (hg19) VCF-style: chr19-39913514-G-C.
Other names: c.1643G>C, p.Arg548Pro (NM_001351693.2); c.1677+586G>C (NM_001351694.2); short protein forms R548P, R607P.
Identifiers: ClinVar variation 3353453 (VCV003353453.1).

ClinVar aggregate classification (germline): Uncertain significance (0 of 4 stars; one submission).

Conditions:
PLEKHG2-related disorder. Also called: PLEKHG2-related condition.

Submission:

PreventionGenetics, part of Exact Sciences
Classification: Uncertain significance for PLEKHG2-related condition. Last evaluated: 2024-09-23. Review status: no assertion criteria provided. Collection method: clinical testing. Allele origin: germline.
Comment: The PLEKHG2 c.1820G>C variant is predicted to result in the amino acid substitution p.Arg607Pro. To our knowledge, this variant has not been reported in the literature. This variant is reported in 0.0043% of alleles in individuals of European (Finnish) descent in gnomAD. At this time, the clinical significance of this variant is uncertain due to the absence of conclusive functional and genetic evidence.